The following is an entry in ClinVar:

ClinVar aggregate classification (germline): Benign (0 of 4 stars; one submission).

Conditions:
AGMO-related disorder. Also called: AGMO-related condition.

Allele frequency attached by ClinVar (database versions not stated): gnomAD exomes 0.00019; gnomAD 0.00023; TOPMed 0.00039; ExAC 0.00059; 1000 Genomes Project 0.00080; 1000 Genomes Project 30x 0.00094.
gnomAD v4.1: 323 of 1,613,354 alleles (0.02%); highest among the groups gnomAD compares: East Asian, 0.67%; 1 homozygote.

Submission:

PreventionGenetics, part of Exact Sciences
Classification: Benign for AGMO-related condition. Last evaluated: 2019-09-19. Review status: no assertion criteria provided. Collection method: clinical testing. Allele origin: germline.
Comment: This variant is classified as benign based on ACMG/AMP sequence variant interpretation guidelines (Richards et al. 2015 PMID: 25741868, with internal and published modifications).

NM_001004320.2(AGMO):c.851C>T (p.Thr284Ile)

Gene: AGMO (alkylglycerol monooxygenase; minus strand). Cytogenetic location: 7p21.2.
Variant type: single nucleotide variant.
Coding change: c.851C>T on transcript NM_001004320.2 (MANE Select); coding-DNA position 851, C replaced by T.
Protein change: p.Thr284Ile; replaces threonine 284 with isoleucine.
Molecular consequence: missense variant.
Genome position (GRCh38, 1-based): chr7:15,387,512, G>A on the plus strand (C>T on the coding strand, the complement: AGMO is on the minus strand). VCF-style: chr7-15387512-G-A. GRCh37 (hg19) VCF-style: chr7-15427137-G-A.
Other names: short protein forms T284I.
Identifiers: ClinVar variation 3040600 (VCV003040600.2), dbSNP rs191099541, ClinGen allele CA4168509.